The following is an entry in ClinVar:

ClinVar aggregate classification (germline): Pathogenic (1 of 4 stars; one submission).

Conditions:
T-cell immunodeficiency, congenital alopecia, and nail dystrophy. Also called: Congenital alopecia and nail dystrophy associated with severe functional T-cell immunodeficiency; Pignata Guarino syndrome. Identifiers: Orphanet 169095, MedGen C1866426, MONDO:0011132, OMIM 601705.

Submission:

Labcorp Genetics (formerly Invitae), Labcorp
Classification: Pathogenic for T-cell immunodeficiency, congenital alopecia, and nail dystrophy. Last evaluated: 2026-01-12. Review status: criteria provided, single submitter. Criteria: Invitae Variant Classification Sherloc (09022015). Collection method: clinical testing. Allele origin: germline.
Comment: This sequence change creates a premature translational stop signal (p.Leu33Profs*4) in the FOXN1 gene. It is expected to result in an absent or disrupted protein product. Loss-of-function variants in FOXN1 are known to be pathogenic (PMID: 10206641, 15180707, 31447097). This variant is not present in population databases (gnomAD no frequency). This variant has not been reported in the literature in individuals affected with FOXN1-related conditions. ClinVar contains an entry for this variant (Variation ID: 2751542). For these reasons, this variant has been classified as Pathogenic.

Literature cited by the submitters: PubMed 10206641; PubMed 15180707; PubMed 31447097.

NM_001369369.1(FOXN1):c.98_114del (p.Leu33fs)

Gene: FOXN1 (forkhead box N1; plus strand). Cytogenetic location: 17q11.2.
Variant type: Deletion.
Coding change: c.98_114del on transcript NM_001369369.1 (MANE Select); coding-DNA positions 98 to 114, 17 bases deleted (TCCCAGGCTCCCCTGCC).
Protein change: p.Leu33fs; shifts the reading frame from leucine 33.
Molecular consequence: frameshift variant.
Genome position (GRCh38, 1-based): chr17:28,524,067-28,524,083, TCCCAGGCTCCCCTGCC deleted; deleting any 17 consecutive bases within chr17:28,524,064-28,524,083 gives the same sequence; the c. name uses the placement nearest the transcript's 3' end. VCF-style (leftmost placement, unchanged base first): chr17-28524063-GGCCTCCCAGGCTCCCCT-G. GRCh37 (hg19) VCF-style: chr17-26851081-GGCCTCCCAGGCTCCCCT-G.
Other names: c.98_114del, p.Leu33fs (NM_003593.3); short protein forms L33fs.
Identifiers: ClinVar variation 2751542 (VCV002751542.3), dbSNP rs2508348438, ClinGen allele CA2697559514.